The following is an entry in ClinVar:

NM_017934.7(PHIP):c.327A>G (p.Leu109=)

Gene: PHIP (PHIP subunit of CUL4-Ring ligase complex; minus strand). Cytogenetic location: 6q14.1.
Variant type: single nucleotide variant.
Coding change: c.327A>G on transcript NM_017934.7 (MANE Select); coding-DNA position 327, A replaced by G.
Protein change: p.Leu109=; no amino-acid change (leucine 109 retained).
Molecular consequence: synonymous variant.
Genome position (GRCh38, 1-based): chr6:79,060,681, T>C on the plus strand (A>G on the coding strand, the complement: PHIP is on the minus strand). VCF-style: chr6-79060681-T-C. GRCh37 (hg19) VCF-style: chr6-79770398-T-C.
Other names: c.327A>G (NM_017934.6).
Identifiers: ClinVar variation 2730408 (VCV002730408.4), dbSNP rs1773325738, ClinGen allele CA451120684.

ClinVar aggregate classification (germline): Likely benign. Review status: criteria provided, single submitter (1 of 4 stars). 2 submissions from 2 submitters: Likely benign (1). 1 of the submissions does not count toward it. Last evaluated 2024-06-05.

Conditions:
PHIP-related disorder. Also called: PHIP-related condition; PHIP-related disorders.

Allele frequency attached by ClinVar (database versions not stated): gnomAD 0.00001.
gnomAD v4.1: 1 of 1,612,142 alleles (0.000062%); highest among the groups gnomAD compares: Non-Finnish European, 0.000085%; no homozygotes.

Submissions (2):

Labcorp Genetics (formerly Invitae), Labcorp
Classification: Likely benign. Last evaluated: 2024-06-05. Review status: criteria provided, single submitter. Criteria: Invitae Variant Classification Sherloc (09022015). Collection method: clinical testing. Allele origin: germline.

PreventionGenetics, part of Exact Sciences
Classification: Likely benign for PHIP-related condition. Last evaluated: 2023-09-13. Review status: no assertion criteria provided. Collection method: clinical testing. Allele origin: germline. Not counted in ClinVar's aggregate classification.
Comment: This variant is classified as likely benign based on ACMG/AMP sequence variant interpretation guidelines (Richards et al. 2015 PMID: 25741868, with internal and published modifications).